The following is an entry in ClinVar:

NM_001113378.2(FANCI):c.7C>A (p.Gln3Lys)

Gene: FANCI (FA complementation group I; plus strand). Cytogenetic location: 15q26.1.
Variant type: single nucleotide variant.
Coding change: c.7C>A on transcript NM_001113378.2 (MANE Select); coding-DNA position 7, C replaced by A.
Protein change: p.Gln3Lys; replaces glutamine 3 with lysine.
Molecular consequence: missense variant. On other transcripts: 5 prime UTR variant (1).
Genome position (GRCh38, 1-based): chr15:89,247,654, C>A. VCF-style: chr15-89247654-C-A. GRCh37 (hg19) VCF-style: chr15-89790885-C-A.
Other names: c.-268C>A (NM_001376910.1); c.7C>A, p.Gln3Lys (NM_001376911.1, NM_018193.3); short protein forms Q3K.
Identifiers: ClinVar variation 4711725 (VCV004711725.1).

ClinVar aggregate classification (germline): Uncertain significance (1 of 4 stars; one submission).

Conditions:
Fanconi anemia (FA). Also called: Fanconi's anemia. Identifiers: Orphanet 84, MedGen C0015625, MeSH D005199, MONDO:0019391.

Submission:

Labcorp Genetics (formerly Invitae), Labcorp
Classification: Uncertain significance for Fanconi anemia. Last evaluated: 2025-02-13. Review status: criteria provided, single submitter. Criteria: Invitae Variant Classification Sherloc (09022015). Collection method: clinical testing. Allele origin: germline.
Comment: This sequence change replaces glutamine, which is neutral and polar, with lysine, which is basic and polar, at codon 3 of the FANCI protein (p.Gln3Lys). This variant is not present in population databases (gnomAD no frequency). This variant has not been reported in the literature in individuals affected with FANCI-related conditions. An algorithm developed to predict the effect of missense changes on protein structure and function (PolyPhen-2) suggests that this variant is likely to be tolerated. In summary, the available evidence is currently insufficient to determine the role of this variant in disease. Therefore, it has been classified as a Variant of Uncertain Significance.